The following is an entry in ClinVar:

ClinVar aggregate classification (germline): Uncertain significance (1 of 4 stars; one submission).

Allele frequency attached by ClinVar (database versions not stated): TOPMed 0.00001.

Submission:

CeGaT Center for Human Genetics Tuebingen
Classification: Uncertain significance. Last evaluated: 2024-01-01. Review status: criteria provided, single submitter. Criteria: CeGaT Center For Human Genetics Tuebingen Variant Classification Criteria Version 2. Collection method: clinical testing. Allele origin: germline. Affected: yes. Observed: 1 variant allele.
Comment: F8: PM2

NM_000132.4(F8):c.5579T>C (p.Val1860Ala)

Gene: F8 (coagulation factor VIII; minus strand). Cytogenetic location: Xq28.
Variant type: single nucleotide variant.
Coding change: c.5579T>C on transcript NM_000132.4 (MANE Select); coding-DNA position 5579, T replaced by C.
Protein change: p.Val1860Ala; replaces valine 1860 with alanine.
Molecular consequence: missense variant.
Genome position (GRCh38, 1-based): chrX:154,904,818, A>G on the plus strand (T>C on the coding strand, the complement: F8 is on the minus strand). VCF-style: chrX-154904818-A-G. GRCh37 (hg19) VCF-style: chrX-154133093-A-G.
Other names: short protein forms V1860A.
Identifiers: ClinVar variation 3026950 (VCV003026950.22), dbSNP rs879981913, ClinGen allele CA414908386.